The following is an entry in ClinVar:

NM_172201.2(KCNE2):c.260A>G (p.Tyr87Cys)

Genes: KCNE2 (potassium voltage-gated channel subfamily E regulatory subunit 2; plus strand), LOC105372791 (uncharacterized LOC105372791; minus strand). Cytogenetic location: 21q22.11.
Variant type: single nucleotide variant.
Coding change: c.260A>G on transcript NM_172201.2 (MANE Select); coding-DNA position 260, A replaced by G.
Protein change: p.Tyr87Cys; replaces tyrosine 87 with cysteine.
Molecular consequence: missense variant.
Genome position (GRCh38, 1-based): chr21:34,370,738, A>G. VCF-style: chr21-34370738-A-G. GRCh37 (hg19) VCF-style: chr21-35743037-A-G.
Other names: short protein forms Y87C.
Identifiers: ClinVar variation 1793764 (VCV001793764.2), dbSNP rs1979549749, ClinGen allele CA410196864.
Genomic context (GRCh38, chr21:34,370,738, plus strand): 5'-TCCTGGTGAGCACTGTGAAATCCAAGAGACGGGAACACTCCAATGACCCCTACCACCAGT[A>G]CATTGTAGAGGACTGGCAGGAAAAGTACAAGAGCCAAATCTTGAATCTAGAAGAATCGAA-3'
Protein context (NP_751951.1, residues 77-97): REHSNDPYHQ[Tyr87Cys]IVEDWQEKYK

ClinVar aggregate classification (germline): Uncertain significance (1 of 4 stars; one submission).

Conditions:
Cardiovascular phenotype. Identifiers: MedGen CN230736.

Allele frequency attached by ClinVar (database versions not stated): gnomAD 0.00001.
gnomAD v4.1: 1 of 1,614,068 alleles (0.000062%); highest among the groups gnomAD compares: Non-Finnish European, 0.000085%; no homozygotes.

Submission:

Ambry Genetics
Classification: Uncertain significance for Cardiovascular phenotype. Last evaluated: 2020-02-21. Review status: criteria provided, single submitter. Criteria: Ambry Variant Classification Scheme 2023. Collection method: clinical testing. Allele origin: germline.
Comment: The p.Y87C variant (also known as c.260A>G), located in coding exon 1 of the KCNE2 gene, results from an A to G substitution at nucleotide position 260. The tyrosine at codon 87 is replaced by cysteine, an amino acid with highly dissimilar properties. This amino acid position is highly conserved in available vertebrate species. In addition, this alteration is predicted to be deleterious by in silico analysis. Since supporting evidence is limited at this time, the clinical significance of this alteration remains unclear.